The following is an entry in ClinVar:

NC_000004.11:g.(?_55124926)_(55151663_?)dup

Genes: PDGFRA (platelet derived growth factor receptor alpha; plus strand), LOC126807054 (BRD4-independent group 4 enhancer GRCh37_chr4:55147260-55148459; plus strand). Cytogenetic location: 4q12.
Variant type: Duplication.
Identifiers: ClinVar variation 584302 (VCV000584302.2).

ClinVar aggregate classification (germline): Uncertain significance (1 of 4 stars; one submission).

Conditions:
Gastrointestinal stromal tumor. Also called: Gastrointestinal stromal tumor, somatic; Gastrointestinal stroma tumor. Identifiers: Orphanet 44890, MedGen C0238198, MeSH D046152, MONDO:0011719, OMIM 606764, HP:0100723.

Submission:

Labcorp Genetics (formerly Invitae), Labcorp
Classification: Uncertain significance for Gastrointestinal stroma tumor. Last evaluated: 2018-06-20. Review status: criteria provided, single submitter. Criteria: Invitae Variant Classification Sherloc (09022015). Collection method: clinical testing. Allele origin: germline.
Comment: This variant results in a copy number gain of the genomic region encompassing the full coding sequence of the PDGFRA gene. The boundaries of this event are unknown as they extend beyond the assayed region for this gene and therefore may encompass additional genes. As the precise location of this event is unknown, it may be in tandem or it may be located elsewhere in the genome. This variant has not been reported in the literature in individuals with PDGFRA-related disease. In summary, the available evidence is currently insufficient to determine the role of this variant in disease. Therefore, it has been classified as a Variant of Uncertain Significance.